The following is an entry in ClinVar:

ClinVar aggregate classification (germline): Likely benign. Review status: criteria provided, multiple submitters, no conflicts (2 of 4 stars). 2 submissions from 2 submitters: Likely benign (2). Last evaluated 2025-06-16.

Conditions:
Marfan syndrome (MFS). Also called: MARFAN SYNDROME, TYPE I; Marfan syndrome type 1; Marfan's syndrome; Marfan syndrome, classic; FBN1-Related Marfan Syndrome. Identifiers: Orphanet 284963, Orphanet 558, MedGen C0024796, MONDO:0007947, OMIM 154700.
Familial thoracic aortic aneurysm and aortic dissection (TAAD). Also called: Thoracic aortic aneurysms and dissections. Identifiers: Orphanet 91387, MedGen C4707243, MONDO:0019625.

Allele frequency attached by ClinVar (database versions not stated): gnomAD exomes 0.00001.
gnomAD v4.1: 8 of 1,613,860 alleles (0.0005%); highest among the groups gnomAD compares: South Asian, 0.0022%; no homozygotes.

Submissions (2):

Labcorp Genetics (formerly Invitae), Labcorp
Classification: Likely benign for Marfan syndrome; Familial thoracic aortic aneurysm and aortic dissection. Last evaluated: 2025-06-16. Review status: criteria provided, single submitter. Criteria: Invitae Variant Classification Sherloc (09022015). Collection method: clinical testing. Allele origin: germline.

All of Us Research Program, National Institutes of Health
Classification: Likely benign for Marfan syndrome. Last evaluated: 2024-01-03. Review status: criteria provided, single submitter. Criteria: ACMG Guidelines, 2015. Collection method: clinical testing. Allele origin: germline. Inheritance: Autosomal dominant inheritance. Observed: 1 variant allele, 1 heterozygote.
Comment: This study involves interpretation of variants in research participants for the purpose of population health screening. Participant phenotype was not available at the time of variant classification. Additional details can be found in publication PMID: 35346344, PMCID: PMC8962531

NM_000138.5(FBN1):c.4817-11G>T

Gene: FBN1 (fibrillin 1; minus strand). Cytogenetic location: 15q21.1.
Variant type: single nucleotide variant.
Coding change: c.4817-11G>T on transcript NM_000138.5 (MANE Select); 11 bases into the intron before coding-DNA position 4817, G replaced by T.
Molecular consequence: intron variant.
Genome position (GRCh38, 1-based): chr15:48,465,704, C>A on the plus strand (G>T on the coding strand, the complement: FBN1 is on the minus strand). VCF-style: chr15-48465704-C-A. GRCh37 (hg19) VCF-style: chr15-48757901-C-A.
Other names: c.4817-11G>T (NM_001406716.1).
Identifiers: ClinVar variation 3075262 (VCV003075262.2), dbSNP rs2505497271, ClinGen allele CA2628333380.
Genomic context (GRCh38, chr15:48,465,704, plus strand): 5'-ACATTTTCCTCCTTGGCACAGCCCTGGTAGCTCCTGGCACTCATCAATATCTATCAAAAT[C>A]AAAACAAAGGCATTCCTTTAGCATTGTAAATAAACCCAAGGAAATTCAAGTTGTGTGTGC-3'